The following is an entry in ClinVar:

ClinVar aggregate classification (germline): Uncertain significance. Review status: criteria provided, multiple submitters, no conflicts (2 of 4 stars). 2 submissions from 2 submitters: Uncertain significance (2). Last evaluated 2026-01-12.

Conditions:
Primary ciliary dyskinesia. Also called: Ciliary dyskinesia. Identifiers: Orphanet 244, MedGen C0008780, MONDO:0016575, HP:0012265.

Allele frequency attached by ClinVar (database versions not stated): ExAC 0.00001; gnomAD 0.00001; gnomAD exomes 0.00001; TOPMed 0.00002.
gnomAD v4.1: 20 of 1,613,936 alleles (0.0012%); highest among the groups gnomAD compares: Admixed American, 0.005%; no homozygotes.

Submissions (2):

Labcorp Genetics (formerly Invitae), Labcorp
Classification: Uncertain significance for Primary ciliary dyskinesia. Last evaluated: 2026-01-12. Review status: criteria provided, single submitter. Criteria: Invitae Variant Classification Sherloc (09022015). Collection method: clinical testing. Allele origin: germline.
Comment: This sequence change replaces alanine, which is neutral and non-polar, with valine, which is neutral and non-polar, at codon 964 of the CCDC40 protein (p.Ala964Val). This variant is present in population databases (rs752958200, gnomAD 0.003%). This variant has not been reported in the literature in individuals affected with CCDC40-related conditions. ClinVar contains an entry for this variant (Variation ID: 2077377). Invitae Evidence Modeling of protein sequence and biophysical properties (such as structural, functional, and spatial information, amino acid conservation, physicochemical variation, residue mobility, and thermodynamic stability) indicates that this missense variant is not expected to disrupt CCDC40 protein function with a negative predictive value of 80%. In summary, the available evidence is currently insufficient to determine the role of this variant in disease. Therefore, it has been classified as a Variant of Uncertain Significance.

Ambry Genetics
Classification: Uncertain significance for Primary ciliary dyskinesia. Last evaluated: 2025-12-11. Review status: criteria provided, single submitter. Criteria: Ambry Variant Classification Scheme 2023. Collection method: clinical testing. Allele origin: germline.

NM_017950.4(CCDC40):c.2891C>T (p.Ala964Val)

Gene: CCDC40 (coiled-coil domain 40 molecular ruler complex subunit; plus strand). Cytogenetic location: 17q25.3.
Variant type: single nucleotide variant.
Coding change: c.2891C>T on transcript NM_017950.4 (MANE Select); coding-DNA position 2891, C replaced by T.
Protein change: p.Ala964Val; replaces alanine 964 with valine.
Molecular consequence: missense variant.
Genome position (GRCh38, 1-based): chr17:80,095,321, C>T. VCF-style: chr17-80095321-C-T. GRCh37 (hg19) VCF-style: chr17-78069120-C-T.
Other names: short protein forms A964V.
Identifiers: ClinVar variation 2077377 (VCV002077377.3), dbSNP rs752958200, ClinGen allele CA8814540.